The following is an entry in ClinVar:

ClinVar aggregate classification (germline): Benign. Review status: criteria provided, multiple submitters, no conflicts (2 of 4 stars). 3 submissions from 3 submitters: Benign (3). Last evaluated 2026-09-01.

Allele frequency attached by ClinVar (database versions not stated): 1000 Genomes Project 30x 0.00281; 1000 Genomes Project 0.00300; TOPMed 0.00522; ESP Exome Variant Server 0.00619; gnomAD 0.00635.
gnomAD v4.1: 12,444 of 1,594,464 alleles (0.78%); highest among the groups gnomAD compares: South Asian, 1.1%; 72 homozygotes.

Submissions (3):

CeGaT Center for Human Genetics Tuebingen
Classification: Benign. Last evaluated: 2026-09-01. Review status: criteria provided, single submitter. Criteria: CeGaT Center For Human Genetics Tuebingen Variant Classification Criteria Version 2. Collection method: clinical testing. Allele origin: germline. Affected: yes. Observed: 6 variant alleles.
Comment: GPR35: BS1, BS2

Labcorp Genetics (formerly Invitae), Labcorp
Classification: Benign. Last evaluated: 2019-12-31. Review status: criteria provided, single submitter. Criteria: Invitae Variant Classification Sherloc (09022015). Collection method: clinical testing. Allele origin: germline.

Breakthrough Genomics
Classification: Benign. Review status: criteria provided, single submitter. Criteria: ACMG Guidelines, 2015. Collection method: not provided. Allele origin: germline. Inheritance: Unknown mechanism. Affected: yes.

NM_005301.5(GPR35):c.376G>A (p.Gly126Arg)

Genes: GPR35 (G protein-coupled receptor 35; plus strand), LOC122889014 (Sharpr-MPRA regulatory region 3769; plus strand). Cytogenetic location: 2q37.3.
Variant type: single nucleotide variant.
Coding change: c.376G>A on transcript NM_005301.5 (MANE Select); coding-DNA position 376, G replaced by A.
Protein change: p.Gly126Arg; replaces glycine 126 with arginine.
Molecular consequence: missense variant.
Genome position (GRCh38, 1-based): chr2:240,630,328, G>A. VCF-style: chr2-240630328-G-A. GRCh37 (hg19) VCF-style: chr2-241569745-G-A.
Other names: c.469G>A, p.Gly157Arg (NM_001195381.3, NM_001195382.3, NM_001394730.1); short protein forms G126R, G157R.
Identifiers: ClinVar variation 773436 (VCV000773436.29), dbSNP rs61734453, ClinGen allele CA2206269.